The following is an entry in ClinVar:

ClinVar aggregate classification (germline): Benign. Review status: criteria provided, multiple submitters, no conflicts (2 of 4 stars). 4 submissions from 4 submitters: Benign (3). 1 of the submissions does not count toward it. Last evaluated 2026-02-01.

Conditions:
KL-related disorder. Also called: KL-related condition.
Tumoral calcinosis, hyperphosphatemic, familial, 3. Identifiers: MedGen C4693864, MONDO:0060715, OMIM 617994.

Allele frequency attached by ClinVar (database versions not stated): ExAC 0.00176; gnomAD 0.00516 and 0.00553; 1000 Genomes Project 0.00539; TOPMed 0.00578; 1000 Genomes Project 30x 0.00593; ESP Exome Variant Server 0.00600.
gnomAD v4.1: 1,847 of 1,610,370 alleles (0.11%); highest among the groups gnomAD compares: African/African-American, 1.7%; 24 homozygotes.

Submissions (6):

Labcorp Genetics (formerly Invitae), Labcorp
Classification: Benign. Last evaluated: 2026-02-01. Review status: criteria provided, single submitter. Criteria: Invitae Variant Classification Sherloc (09022015). Collection method: clinical testing. Allele origin: germline.

Illumina Laboratory Services, Illumina
Classification: Benign for Tumoral calcinosis, hyperphosphatemic, familial, 3. Last evaluated: 2018-01-13. Review status: criteria provided, single submitter. Criteria: ICSL Variant Classification Criteria 13 December 2019. Collection method: clinical testing. Allele origin: germline.
Comment: This variant was observed in the ICSL laboratory as part of a predisposition screen in an ostensibly healthy population. It had not been previously curated by ICSL or reported in the Human Gene Mutation Database (HGMD: prior to June 1st, 2018), and was therefore a candidate for classification through an automated scoring system. Utilizing variant allele frequency, disease prevalence and penetrance estimates, and inheritance mode, an automated score was calculated to assess if this variant is too frequent to cause the disease. Based on the score and internal cut-off values, a variant classified as benign is not then subjected to further curation. The score for this variant resulted in a classification of benign for this disease.

Breakthrough Genomics
Classification: Benign. Review status: criteria provided, single submitter. Criteria: ACMG Guidelines, 2015. Collection method: not provided. Allele origin: germline. Inheritance: Autosomal recessive inheritance. Affected: yes.

PreventionGenetics, part of Exact Sciences
Classification: Benign for KL-related condition. Last evaluated: 2019-08-20. Review status: no assertion criteria provided. Collection method: clinical testing. Allele origin: germline. Not counted in ClinVar's aggregate classification.
Comment: This variant is classified as benign based on ACMG/AMP sequence variant interpretation guidelines (Richards et al. 2015 PMID: 25741868, with internal and published modifications).

Dr. Peter K. Rogan Lab, Western University
No classification provided (evidence only). Condition: Sarcoma. Review status: no classification provided. Collection method: in vitro. Allele origin: not applicable. Functional consequence: retained intron. Not counted in ClinVar's aggregate classification.

Dr. Peter K. Rogan Lab, Western University
No classification provided (evidence only). Condition: Hepatocellular carcinoma. Review status: no classification provided. Collection method: in vitro. Allele origin: not applicable. Functional consequence: retained intron. Not counted in ClinVar's aggregate classification.

NM_004795.4(KL):c.3008A>G (p.Tyr1003Cys)

Gene: KL (klotho; plus strand). Cytogenetic location: 13q13.1.
Variant type: single nucleotide variant.
Coding change: c.3008A>G on transcript NM_004795.4 (MANE Select); coding-DNA position 3008, A replaced by G.
Protein change: p.Tyr1003Cys; replaces tyrosine 1003 with cysteine.
Molecular consequence: missense variant.
Genome position (GRCh38, 1-based): chr13:33,064,155, A>G. VCF-style: chr13-33064155-A-G. GRCh37 (hg19) VCF-style: chr13-33638292-A-G.
Other names: short protein forms Y1003C.
Identifiers: ClinVar variation 311709 (VCV000311709.17), dbSNP rs35328951, ClinGen allele CA6944424.